The following is an entry in ClinVar:

ClinVar aggregate classification (germline): Conflicting classifications of pathogenicity. Review status: criteria provided, conflicting classifications (1 of 4 stars). 7 submissions from 7 submitters: Uncertain significance (1); Benign (1); Likely benign (4). 1 of the submissions does not count toward it. Last evaluated 2026-03-01.

Conditions:
OTOGL-related disorder. Also called: OTOGL-related condition.
Inborn genetic diseases. Identifiers: MedGen C0950123, MeSH D030342.

Allele frequency attached by ClinVar (database versions not stated): TOPMed 0.00082; gnomAD exomes 0.00095; gnomAD 0.00121 and 0.00126; ESP Exome Variant Server 0.00135; ExAC 0.00181.
gnomAD v4.1: 1,723 of 1,521,864 alleles (0.11%); highest among the groups gnomAD compares: Non-Finnish European, 0.14%; 4 homozygotes.

Submissions (7):

CeGaT Center for Human Genetics Tuebingen
Classification: Likely benign. Last evaluated: 2026-03-01. Review status: criteria provided, single submitter. Criteria: CeGaT Center For Human Genetics Tuebingen Variant Classification Criteria Version 2. Collection method: clinical testing. Allele origin: germline. Affected: yes. Observed: 3 variant alleles.
Comment: OTOGL: BP4

Labcorp Genetics (formerly Invitae), Labcorp
Classification: Benign. Last evaluated: 2025-12-01. Review status: criteria provided, single submitter. Criteria: Invitae Variant Classification Sherloc (09022015). Collection method: clinical testing. Allele origin: germline.

Blueprint Genetics
Classification: Likely benign. Last evaluated: 2024-11-27. Review status: criteria provided, single submitter. Criteria: ACMG Guidelines, 2015. Collection method: clinical testing. Allele origin: germline.

Ambry Genetics
Classification: Likely benign for Inborn genetic diseases. Last evaluated: 2023-08-14. Review status: criteria provided, single submitter. Criteria: Ambry Variant Classification Scheme 2023. Collection method: clinical testing. Allele origin: germline.

GeneDx
Classification: Uncertain significance. Last evaluated: 2021-05-05. Review status: criteria provided, single submitter. Criteria: GeneDx Variant Classification Process June 2021. Collection method: clinical testing. Allele origin: germline. Affected: yes.
Comment: In silico analysis supports that this missense variant does not alter protein structure/function; Has not been previously published as pathogenic or benign to our knowledge; This variant is associated with the following publications: (PMID: 27535533)

Laboratory for Molecular Medicine, Mass General Brigham Personalized Medicine
Classification: Likely benign. Last evaluated: 2016-04-05. Review status: criteria provided, single submitter. Criteria: LMM Criteria. Collection method: clinical testing. Allele origin: germline. Observed: 4 variant alleles.
Comment: p.Ser810Leu in exon 21 of OTOGL: This variant is not expected to have clinical s ignificance because it has been identified in 0.3% (94/29798) of European chromo somes by the Exome Aggregation Consortium (ExAC; dbSNP rs199855270).

PreventionGenetics, part of Exact Sciences
Classification: Likely benign for OTOGL-related condition. Last evaluated: 2022-04-25. Review status: no assertion criteria provided. Collection method: clinical testing. Allele origin: germline. Not counted in ClinVar's aggregate classification.
Comment: This variant is classified as likely benign based on ACMG/AMP sequence variant interpretation guidelines (Richards et al. 2015 PMID: 25741868, with internal and published modifications).

NM_001378609.3(OTOGL):c.2456C>T (p.Ser819Leu)

Gene: OTOGL (otogelin like; plus strand). Cytogenetic location: 12q21.31.
Variant type: single nucleotide variant.
Coding change: c.2456C>T on transcript NM_001378609.3 (MANE Select); coding-DNA position 2456, C replaced by T.
Protein change: p.Ser819Leu; replaces serine 819 with leucine.
Molecular consequence: missense variant.
Genome position (GRCh38, 1-based): chr12:80,267,318, C>T. VCF-style: chr12-80267318-C-T. GRCh37 (hg19) VCF-style: chr12-80661098-C-T.
Other names: c.2456C>T, p.Ser819Leu (NM_001368062.3, NM_001378610.3, NM_173591.7); short protein forms S810L, S819L.
Identifiers: ClinVar variation 227815 (VCV000227815.45), dbSNP rs199855270, ClinGen allele CA6700789.